The following is an entry in ClinVar:

ClinVar aggregate classification (germline): Uncertain significance (1 of 4 stars; one submission).

Conditions:
Inborn genetic diseases. Identifiers: MedGen C0950123, MeSH D030342.

Allele frequency attached by ClinVar (database versions not stated): gnomAD 0.00001.
gnomAD v4.1: 2 of 1,613,998 alleles (0.00012%); highest among the groups gnomAD compares: Admixed American, 0.0033%; no homozygotes.

Submission:

Ambry Genetics
Classification: Uncertain significance for Inborn genetic diseases. Last evaluated: 2021-09-08. Review status: criteria provided, single submitter. Criteria: Ambry Variant Classification Scheme 2023. Collection method: clinical testing. Allele origin: germline.
Comment: The p.M699T variant (also known as c.2096T>C), located in coding exon 13 of the EPAS1 gene, results from a T to C substitution at nucleotide position 2096. The methionine at codon 699 is replaced by threonine, an amino acid with similar properties. This amino acid position is conserved. In addition, this alteration is predicted to be tolerated by in silico analysis. Since supporting evidence is limited at this time, the clinical significance of this alteration remains unclear.

NM_001430.5(EPAS1):c.2096T>C (p.Met699Thr)

Gene: EPAS1 (endothelial PAS domain protein 1; plus strand). Cytogenetic location: 2p21.
Variant type: single nucleotide variant.
Coding change: c.2096T>C on transcript NM_001430.5 (MANE Select); coding-DNA position 2096, T replaced by C.
Protein change: p.Met699Thr; replaces methionine 699 with threonine.
Molecular consequence: missense variant.
Genome position (GRCh38, 1-based): chr2:46,381,646, T>C. VCF-style: chr2-46381646-T-C. GRCh37 (hg19) VCF-style: chr2-46608785-T-C.
Other names: short protein forms M699T.
Identifiers: ClinVar variation 1785804 (VCV001785804.2), dbSNP rs1684894640, ClinGen allele CA346705520.